The following is an entry in ClinVar:

NM_152743.4(BRAT1):c.1187C>T (p.Thr396Ile)

Gene: BRAT1 (BRCA1 associated ATM activator 1; minus strand). Cytogenetic location: 7p22.3.
Variant type: single nucleotide variant.
Coding change: c.1187C>T on transcript NM_152743.4 (MANE Select); coding-DNA position 1187, C replaced by T.
Protein change: p.Thr396Ile; replaces threonine 396 with isoleucine.
Molecular consequence: missense variant. On other transcripts: non-coding transcript variant (1).
Genome position (GRCh38, 1-based): chr7:2,541,432, G>A on the plus strand (C>T on the coding strand, the complement: BRAT1 is on the minus strand). VCF-style: chr7-2541432-G-A. GRCh37 (hg19) VCF-style: chr7-2581066-G-A.
Other names: c.1187C>T, p.Thr396Ile (NM_001350626.2); c.662C>T, p.Thr221Ile (NM_001350627.2); short protein forms T221I, T396I.
Identifiers: ClinVar variation 1462261 (VCV001462261.7), dbSNP rs1779154524, ClinGen allele CA366629309.

ClinVar aggregate classification (germline): Uncertain significance (1 of 4 stars; one submission).

Conditions:
Neonatal-onset encephalopathy with rigidity and seizures. Also called: Lethal neonatal spasticity-epileptic encephalopathy syndrome. Identifiers: Orphanet 435845, MedGen C3281029, MONDO:0013784, OMIM 614498.

Allele frequency attached by ClinVar (database versions not stated): gnomAD 0.00001.
gnomAD v4.1: 1 of 1,582,100 alleles (0.000063%); highest among the groups gnomAD compares: African/African-American, 0.0013%; no homozygotes.

Submission:

Labcorp Genetics (formerly Invitae), Labcorp
Classification: Uncertain significance for Neonatal-onset encephalopathy with rigidity and seizures. Last evaluated: 2025-05-03. Review status: criteria provided, single submitter. Criteria: Invitae Variant Classification Sherloc (09022015). Collection method: clinical testing. Allele origin: germline.
Comment: This sequence change replaces threonine, which is neutral and polar, with isoleucine, which is neutral and non-polar, at codon 396 of the BRAT1 protein (p.Thr396Ile). This variant is not present in population databases (gnomAD no frequency). This variant has not been reported in the literature in individuals affected with BRAT1-related conditions. ClinVar contains an entry for this variant (Variation ID: 1462261). Invitae Evidence Modeling of protein sequence and biophysical properties (such as structural, functional, and spatial information, amino acid conservation, physicochemical variation, residue mobility, and thermodynamic stability) indicates that this missense variant is not expected to disrupt BRAT1 protein function with a negative predictive value of 95%. In summary, the available evidence is currently insufficient to determine the role of this variant in disease. Therefore, it has been classified as a Variant of Uncertain Significance.